The following is an entry in ClinVar:

ClinVar aggregate classification (germline): Likely benign. Review status: criteria provided, single submitter (1 of 4 stars). 2 submissions from 2 submitters: Likely benign (1). 1 of the submissions does not count toward it. Last evaluated 2024-12-15.

Conditions:
COL11A1-related disorder. Also called: COL11A1-related disorders; COL11A1-related condition.

gnomAD v4.1: 14 of 1,613,224 alleles (0.00087%); highest among the groups gnomAD compares: Admixed American, 0.0017%; no homozygotes.

Submissions (2):

Labcorp Genetics (formerly Invitae), Labcorp
Classification: Likely benign. Last evaluated: 2024-12-15. Review status: criteria provided, single submitter. Criteria: Invitae Variant Classification Sherloc (09022015). Collection method: clinical testing. Allele origin: germline.

PreventionGenetics, part of Exact Sciences
Classification: Likely benign for COL11A1-related condition. Last evaluated: 2023-03-25. Review status: no assertion criteria provided. Collection method: clinical testing. Allele origin: germline. Not counted in ClinVar's aggregate classification.
Comment: This variant is classified as likely benign based on ACMG/AMP sequence variant interpretation guidelines (Richards et al. 2015 PMID: 25741868, with internal and published modifications).

NM_001854.4(COL11A1):c.2247C>G (p.Pro749=)

Gene: COL11A1 (collagen type XI alpha 1 chain; minus strand). Cytogenetic location: 1p21.1.
Variant type: single nucleotide variant.
Coding change: c.2247C>G on transcript NM_001854.4 (MANE Select); coding-DNA position 2247, C replaced by G.
Protein change: p.Pro749=; no amino-acid change (proline 749 retained).
Molecular consequence: synonymous variant. On other transcripts: non-coding transcript variant (1).
Genome position (GRCh38, 1-based): chr1:102,996,037, G>C on the plus strand (C>G on the coding strand, the complement: COL11A1 is on the minus strand). VCF-style: chr1-102996037-G-C. GRCh37 (hg19) VCF-style: chr1-103461593-G-C.
Other names: c.1899C>G, p.Pro633= (NM_001168249.1, NM_080630.4); c.2130C>G, p.Pro710= (NM_001190709.2); c.2283C>G, p.Pro761= (NM_080629.3); c.2247C>G (NM_001854.3).
Identifiers: ClinVar variation 2794315 (VCV002794315.5), dbSNP rs968191795, ClinGen allele CA27722519.
Genomic context (GRCh38, chr1:102,996,037, plus strand): 5'-ATTTAACGTTACCTTTACTCCCCGGGGGCCCGGGTATCCAATAGGACCTTGTGGACCAGG[G>C]GGACCCTGAAATAGATGAATTACCACTTATACGTGTAATAAATTGAAAGTGCTACTCATT-3'
Protein context (NP_001845.3, residues 739-759): GQSGEKGALG[Pro749=]PGPQGPIGYP